The following is an entry in ClinVar:

NM_000310.4(PPT1):c.692T>G (p.Leu231Arg)

Gene: PPT1 (palmitoyl-protein thioesterase 1; minus strand). Cytogenetic location: 1p34.2.
Variant type: single nucleotide variant.
Coding change: c.692T>G on transcript NM_000310.4 (MANE Select); coding-DNA position 692, T replaced by G.
Protein change: p.Leu231Arg; replaces leucine 231 with arginine.
Molecular consequence: missense variant.
Genome position (GRCh38, 1-based): chr1:40,078,594, A>C on the plus strand (T>G on the coding strand, the complement: PPT1 is on the minus strand). VCF-style: chr1-40078594-A-C. GRCh37 (hg19) VCF-style: chr1-40544266-A-C.
Other names: c.383T>G, p.Leu128Arg (NM_001142604.2); c.692T>G, p.Leu231Arg (NM_001363695.2); short protein forms L128R, L231R.
Identifiers: ClinVar variation 4682351 (VCV004682351.1).

ClinVar aggregate classification (germline): Uncertain significance (1 of 4 stars; one submission).

gnomAD v4.1: 2 of 1,613,988 alleles (0.00012%); highest among the groups gnomAD compares: Non-Finnish European, 0.00017%; no homozygotes.

Submission:

Athena Diagnostics
Classification: Uncertain significance. Last evaluated: 2025-05-06. Review status: criteria provided, single submitter. Criteria: Athena Diagnostics Criteria. Collection method: clinical testing. Allele origin: unknown.
Comment: Available data are insufficient to determine the clinical significance of the variant at this time. This variant has not been reported in large, multi-ethnic general populations. Polyphen and MutationTaster yielded discordant predictions regarding whether this amino acid change is damaging to the protein.